The following is an entry in ClinVar:

NM_002972.4(SBF1):c.412C>A (p.Arg138=)

Gene: SBF1 (SET binding factor 1; minus strand). Cytogenetic location: 22q13.33.
Variant type: single nucleotide variant.
Coding change: c.412C>A on transcript NM_002972.4 (MANE Select); coding-DNA position 412, C replaced by A.
Protein change: p.Arg138=; no amino-acid change (arginine 138 retained).
Molecular consequence: synonymous variant.
Genome position (GRCh38, 1-based): chr22:50,467,558, G>T on the plus strand (C>A on the coding strand, the complement: SBF1 is on the minus strand). VCF-style: chr22-50467558-G-T. GRCh37 (hg19) VCF-style: chr22-50905987-G-T.
Other names: c.415C>A, p.Arg139= (NM_001365819.1).
Identifiers: ClinVar variation 1613370 (VCV001613370.12), dbSNP rs368625733, ClinGen allele CA10318110.

ClinVar aggregate classification (germline): Benign/Likely benign. Review status: criteria provided, multiple submitters, no conflicts (2 of 4 stars). 2 submissions from 2 submitters: Benign (1); Likely benign (1). Last evaluated 2026-03-01.

Allele frequency attached by ClinVar (database versions not stated): TOPMed 0.00006; ESP Exome Variant Server 0.00008; gnomAD 0.00009; ExAC 0.00015.

Submissions (2):

CeGaT Center for Human Genetics Tuebingen
Classification: Likely benign. Last evaluated: 2026-03-01. Review status: criteria provided, single submitter. Criteria: CeGaT Center For Human Genetics Tuebingen Variant Classification Criteria Version 2. Collection method: clinical testing. Allele origin: germline. Affected: yes. Observed: 1 variant allele.
Comment: SBF1: BP4, BP7

Labcorp Genetics (formerly Invitae), Labcorp
Classification: Benign. Last evaluated: 2025-04-08. Review status: criteria provided, single submitter. Criteria: Invitae Variant Classification Sherloc (09022015). Collection method: clinical testing. Allele origin: germline.